The following is an entry in ClinVar:

ClinVar aggregate classification (germline): Benign. Review status: criteria provided, multiple submitters, no conflicts (2 of 4 stars). 3 submissions from 3 submitters: Benign (2). 1 of the submissions does not count toward it. Last evaluated 2018-12-18.

Conditions:
MYO1F-related disorder. Also called: MYO1F-related condition.

Allele frequency attached by ClinVar (database versions not stated): gnomAD 0.00004 and 0.00102; ESP Exome Variant Server 0.00008; TOPMed 0.00022; gnomAD exomes 0.00187 and 0.00375; ExAC 0.00453; 1000 Genomes Project 30x 0.00484; 1000 Genomes Project 0.00559.
gnomAD v4.1: 2,857 of 1,610,684 alleles (0.18%); highest among the groups gnomAD compares: South Asian, 3%; 57 homozygotes.

Submissions (3):

Labcorp Genetics (formerly Invitae), Labcorp
Classification: Benign. Last evaluated: 2018-12-18. Review status: criteria provided, single submitter. Criteria: Invitae Variant Classification Sherloc (09022015). Collection method: clinical testing. Allele origin: germline.

GeneDx
Classification: Benign. Last evaluated: 2018-04-24. Review status: criteria provided, single submitter. Criteria: GeneDx Variant Classification (06012015). Collection method: clinical testing. Allele origin: germline. Affected: yes.
Comment: This variant is considered likely benign or benign based on one or more of the following criteria: it is a conservative change, it occurs at a poorly conserved position in the protein, it is predicted to be benign by multiple in silico algorithms, and/or has population frequency not consistent with disease.

PreventionGenetics, part of Exact Sciences
Classification: Benign for MYO1F-related condition. Last evaluated: 2019-06-05. Review status: no assertion criteria provided. Collection method: clinical testing. Allele origin: germline. Not counted in ClinVar's aggregate classification.
Comment: This variant is classified as benign based on ACMG/AMP sequence variant interpretation guidelines (Richards et al. 2015 PMID: 25741868, with internal and published modifications).

NM_012335.4(MYO1F):c.1710G>A (p.Leu570=)

Gene: MYO1F (myosin IF; minus strand). Cytogenetic location: 19p13.2.
Variant type: single nucleotide variant.
Coding change: c.1710G>A on transcript NM_012335.4 (MANE Select); coding-DNA position 1710, G replaced by A.
Protein change: p.Leu570=; no amino-acid change (leucine 570 retained).
Molecular consequence: synonymous variant.
Genome position (GRCh38, 1-based): chr19:8,537,038, C>T on the plus strand (G>A on the coding strand, the complement: MYO1F is on the minus strand). VCF-style: chr19-8537038-C-T. GRCh37 (hg19) VCF-style: chr19-8601922-C-T.
Other names: c.1698G>A, p.Leu566= (NM_001348355.2).
Identifiers: ClinVar variation 680865 (VCV000680865.6), dbSNP rs375995051, ClinGen allele CA9159155.